The following is an entry in ClinVar:

NM_001020658.2(PUM1):c.364-2A>G

Gene: PUM1 (pumilio RNA binding family member 1; minus strand). Cytogenetic location: 1p35.2.
Variant type: single nucleotide variant.
Coding change: c.364-2A>G on transcript NM_001020658.2 (MANE Select); the canonical splice acceptor site of the intron before coding-DNA position 364, A replaced by G.
Molecular consequence: splice acceptor variant.
Genome position (GRCh38, 1-based): chr1:31,028,866, T>C on the plus strand (A>G on the coding strand, the complement: PUM1 is on the minus strand). VCF-style: chr1-31028866-T-C. GRCh37 (hg19) VCF-style: chr1-31501713-T-C.
Other names: c.364-2A>G (NM_014676.3).
Identifiers: ClinVar variation 3776035 (VCV003776035.1).

ClinVar aggregate classification (germline): Likely pathogenic (1 of 4 stars; one submission).

Conditions:
Spinocerebellar ataxia 47 (NEDMSF). Also called: PADDAS SYNDROME; neurodevelopmental disorder with motor abnormalities, seizures, and facial dysmorphism. Identifiers: Orphanet 642747, MedGen C4693672, MONDO:0033482, OMIM 620719.

Submission:

3billion
Classification: Likely pathogenic. Last evaluated: 2024-04-23. Review status: criteria provided, single submitter. Criteria: ACMG Guidelines, 2015. Collection method: clinical testing. Allele origin: germline. Affected: yes.
Comment: The variant is not observed in the gnomAD v4.0.0 dataset. Predicted Consequence/Location: Canonical splice site: predicted to alter splicing and result in a loss or disruption of normal protein function. Multiple pathogenic loss-of-function variants are reported downstream of the variant. In silico tools predict the variant to alter splicing and produce an abnormal transcript [SpliceAI: 0.99 (spliceogenicity >=0.2, non-spliceogenicity <0.1)]. Therefore, this variant is classified as Likely pathogenic according to the recommendation of ACMG/AMP guideline.